The following is an entry in ClinVar:

NM_022124.6(CDH23):c.3482G>A (p.Arg1161Gln)

Genes: C10orf105 (chromosome 10 open reading frame 105; minus strand), CDH23 (cadherin related 23; plus strand). Cytogenetic location: 10q22.1.
Variant type: single nucleotide variant.
Coding change: c.3482G>A on transcript NM_022124.6 (MANE Select); coding-DNA position 3482, G replaced by A.
Protein change: p.Arg1161Gln; replaces arginine 1161 with glutamine.
Molecular consequence: missense variant. On other transcripts: intron variant (1).
Genome position (GRCh38, 1-based): chr10:71,725,423, G>A. VCF-style: chr10-71725423-G-A. GRCh37 (hg19) VCF-style: chr10-73485180-G-A.
Other names: c.3482G>A, p.Arg1161Gln (NM_001171930.2); c.-5-9081C>T (NM_001168390.2); short protein forms R1161Q.
Identifiers: ClinVar variation 967886 (VCV000967886.10), dbSNP rs747849852, ClinGen allele CA5544743.
Genomic context (GRCh38, chr10:71,725,423, plus strand): 5'-TCCACACAGGTAACCATGGCAACAACTTCCGGATCCATGTCAGCAATGGGCTCCTGATGC[G>A]AGGGCCCCGGCCCCTGGACCGGGAGCGGAACTCATCCCACGTGCTGATAGTGGAGGCCTA-3'
Protein context (NP_071407.4, residues 1151-1171): RIHVSNGLLM[Arg1161Gln]GPRPLDRERN

ClinVar aggregate classification (germline): Uncertain significance. Review status: criteria provided, multiple submitters, no conflicts (2 of 4 stars). 5 submissions from 5 submitters: Uncertain significance (4). 1 of the submissions does not count toward it. Last evaluated 2024-06-11.

Conditions:
Inborn genetic diseases. Identifiers: MedGen C0950123, MeSH D030342.
Usher syndrome type 1 (USH1). Also called: RETINITIS PIGMENTOSA AND CONGENITAL DEAFNESS. Identifiers: Orphanet 231169, Orphanet 886, MedGen C1568247, MONDO:0010168, OMIM 276900.

Allele frequency attached by ClinVar (database versions not stated): gnomAD 0.00002; ExAC 0.00002; gnomAD exomes 0.00002; TOPMed 0.00002.
gnomAD v4.1: 29 of 1,613,902 alleles (0.0018%); highest among the groups gnomAD compares: East Asian, 0.0022%; no homozygotes.

Submissions (5):

Ambry Genetics
Classification: Uncertain significance for Inborn genetic diseases. Last evaluated: 2024-06-11. Review status: criteria provided, single submitter. Criteria: Ambry Variant Classification Scheme 2023. Collection method: clinical testing. Allele origin: germline.

Blueprint Genetics
Classification: Uncertain significance. Last evaluated: 2022-09-02. Review status: criteria provided, single submitter. Criteria: ACMG Guidelines, 2015. Collection method: clinical testing. Allele origin: germline.

Labcorp Genetics (formerly Invitae), Labcorp
Classification: Uncertain significance. Last evaluated: 2022-08-22. Review status: criteria provided, single submitter. Criteria: Invitae Variant Classification Sherloc (09022015). Collection method: clinical testing. Allele origin: germline.
Comment: This sequence change replaces arginine, which is basic and polar, with glutamine, which is neutral and polar, at codon 1161 of the CDH23 protein (p.Arg1161Gln). This variant is present in population databases (rs747849852, gnomAD 0.04%). This variant has not been reported in the literature in individuals affected with CDH23-related conditions. ClinVar contains an entry for this variant (Variation ID: 967886). Algorithms developed to predict the effect of missense changes on protein structure and function are either unavailable or do not agree on the potential impact of this missense change (SIFT: "Deleterious"; PolyPhen-2: "Not Available"; Align-GVGD: "Class C35"). In summary, the available evidence is currently insufficient to determine the role of this variant in disease. Therefore, it has been classified as a Variant of Uncertain Significance.

GeneDx
Classification: Uncertain significance. Last evaluated: 2020-08-07. Review status: criteria provided, single submitter. Criteria: GeneDx Variant Classification Process June 2021. Collection method: clinical testing. Allele origin: germline. Affected: yes.
Comment: In silico analysis supports that this missense variant does not alter protein structure/function; Has not been previously published as pathogenic or benign to our knowledge

Natera, Inc.
Classification: Uncertain significance for Usher syndrome type 1. Last evaluated: 2020-03-20. Review status: no assertion criteria provided. Collection method: clinical testing. Allele origin: germline. Not counted in ClinVar's aggregate classification.